The following is an entry in ClinVar:

NM_000426.4(LAMA2):c.3037+1G>A

Gene: LAMA2 (laminin subunit alpha 2; plus strand). Cytogenetic location: 6q22.33.
Variant type: single nucleotide variant.
Coding change: c.3037+1G>A on transcript NM_000426.4 (MANE Select); the canonical splice donor site of the intron after coding-DNA position 3037, G replaced by A.
Molecular consequence: splice donor variant.
Genome position (GRCh38, 1-based): chr6:129,297,866, G>A. VCF-style: chr6-129297866-G-A. GRCh37 (hg19) VCF-style: chr6-129619011-G-A.
Other names: c.3037+1G>A (NM_001079823.2).
Identifiers: ClinVar variation 2013870 (VCV002013870.4), dbSNP rs1773291512, ClinGen allele CA365611298.

ClinVar aggregate classification (germline): Likely pathogenic (1 of 4 stars; one submission).

Conditions:
LAMA2-related muscular dystrophy (LAMA2-RD). Also called: Laminin alpha 2-related dystrophy. Identifiers: MedGen C5679788, MONDO:0100228.

Submission:

Labcorp Genetics (formerly Invitae), Labcorp
Classification: Likely pathogenic for LAMA2-related muscular dystrophy. Last evaluated: 2022-07-04. Review status: criteria provided, single submitter. Criteria: Invitae Variant Classification Sherloc (09022015). Collection method: clinical testing. Allele origin: germline.
Comment: This variant is not present in population databases (gnomAD no frequency). This sequence change affects a donor splice site in intron 21 of the LAMA2 gene. It is expected to disrupt RNA splicing. Variants that disrupt the donor or acceptor splice site typically lead to a loss of protein function (PMID: 16199547), and loss-of-function variants in LAMA2 are known to be pathogenic (PMID: 18700894, 32904964). Disruption of this splice site has been observed in individual(s) with LAMA2-related conditions (PMID: 29382405). Algorithms developed to predict the effect of sequence changes on RNA splicing suggest that this variant may disrupt the consensus splice site. In summary, the currently available evidence indicates that the variant is pathogenic, but additional data are needed to prove that conclusively. Therefore, this variant has been classified as Likely Pathogenic.

Literature cited by the submitters: PubMed 16199547; PubMed 18700894; PubMed 32904964; PubMed 29382405.